The following is an entry in ClinVar:

ClinVar aggregate classification (germline): Pathogenic. Review status: criteria provided, multiple submitters, no conflicts (2 of 4 stars). 8 submissions from 8 submitters: Pathogenic (6). 2 of the submissions do not count toward it. Last evaluated 2025-01-11.

Conditions:
Hereditary nonpolyposis colorectal neoplasms. Identifiers: MedGen C0009405, MeSH D003123.
Hereditary cancer-predisposing syndrome. Also called: Hereditary Cancer Syndrome; Hereditary neoplastic syndrome; Tumor predisposition; Neoplastic Syndromes, Hereditary. Identifiers: Orphanet 140162, MedGen C0027672, MeSH D009386, MONDO:0015356.
Lynch syndrome. Identifiers: Orphanet 144, MedGen C4552100, MONDO:0005835. Disease mechanism: loss of function.
Lynch syndrome 5 (LYNCH5). Also called: Colorectal cancer, hereditary nonpolyposis, type 5; Hereditary non-polyposis colorectal cancer, type 5. Identifiers: Orphanet 144, MedGen C1833477, MONDO:0013710, OMIM 614350. Disease mechanism: loss of function.

Submissions (8):

Ambry Genetics
Classification: Pathogenic for Hereditary cancer-predisposing syndrome. Last evaluated: 2025-01-11. Review status: criteria provided, single submitter. Criteria: Ambry Variant Classification Scheme 2023. Collection method: clinical testing. Allele origin: germline.
Comment: The p.Q1048* pathogenic mutation (also known as c.3142C>T), located in coding exon 4 of the MSH6 gene, results from a C to T substitution at nucleotide position 3142. This changes the amino acid from a glutamine to a stop codon within coding exon 4. This mutation has been reported in multiple individuals with personal and/or family histories of colorectal cancer, and tumor studies have shown microsatellite instability and/or loss of MSH6 protein by immunohistochemistry associated with this mutation (Talseth-Palmer BA et al. Hered Cancer Clin Pract, 2010 May;8:5; Ward RL et al. J. Clin. Oncol. 2013 Jul;31:2554-62; Buchanan DD et al. J. Clin. Oncol. 2014 Jan;32:90-100). In addition to the clinical data presented in the literature, this alteration is expected to result in loss of function by premature protein truncation or nonsense-mediated mRNA decay. As such, this alteration is interpreted as a disease-causing mutation.

Quest Diagnostics Nichols Institute San Juan Capistrano
Classification: Pathogenic. Last evaluated: 2024-09-10. Review status: criteria provided, single submitter. Criteria: Quest Diagnostics criteria. Collection method: clinical testing. Allele origin: unknown.
Comment: The MSH6 c.3142C>T (p.Gln1048*) variant causes the premature termination of MSH6 protein synthesis. This variant has been reported in the published literature in individuals with colorectal cancer and in an individual with endometrial cancer where immunohistochemistry analysis of the tumors showed loss of MSH6 protein (PMIDs: 20487569 (2010), 23733757 (2013), and 24323032 (2014)). This variant has not been reported in large, multi-ethnic general populations (Genome Aggregation Database). Based on the available information, this variant is classified as pathogenic.

Labcorp Genetics (formerly Invitae), Labcorp
Classification: Pathogenic for Hereditary nonpolyposis colorectal neoplasms. Last evaluated: 2024-08-19. Review status: criteria provided, single submitter. Criteria: Invitae Variant Classification Sherloc (09022015). Collection method: clinical testing. Allele origin: germline.
Comment: This sequence change creates a premature translational stop signal (p.Gln1048*) in the MSH6 gene. It is expected to result in an absent or disrupted protein product. Loss-of-function variants in MSH6 are known to be pathogenic (PMID: 18269114, 24362816). This variant is not present in population databases (gnomAD no frequency). This variant has not been reported in the literature in individuals affected with MSH6-related conditions. ClinVar contains an entry for this variant (Variation ID: 127580). For these reasons, this variant has been classified as Pathogenic.

Myriad Genetics, Inc.
Classification: Pathogenic for Lynch syndrome 5. Last evaluated: 2023-08-22. Review status: criteria provided, single submitter. Criteria: Myriad Autosomal Dominant, Autosomal Recessive and X-Linked Classification Criteria (2023). Collection method: clinical testing. Allele origin: unknown.
Comment: This variant is considered pathogenic. This variant creates a termination codon and is predicted to result in premature protein truncation.

MGZ Medical Genetics Center
Classification: Pathogenic for Lynch syndrome 5. Last evaluated: 2022-03-29. Review status: criteria provided, single submitter. Criteria: ACMG Guidelines, 2015. Collection method: clinical testing. Allele origin: germline. Affected: yes. Observed: 1 variant allele.
Comment: ACMG criteria applied: PVS1, PS4_MOD, PM2_SUP, PP4

GeneDx
Classification: Pathogenic. Last evaluated: 2018-06-20. Review status: criteria provided, single submitter. Criteria: GeneDx Variant Classification (06012015). Collection method: clinical testing. Allele origin: germline. Affected: yes.
Comment: This pathogenic variant is denoted MSH6 c.3142C>T at the cDNA level and p.Gln1048Ter (Q1048X) at the protein level. The substitution creates a nonsense variant, changing a Glutamine to a premature stop codon (CAG>TAG). This variant is predicted to cause loss of normal protein function through either protein truncation or nonsense-mediated mRNA decay. This variant has been reported in at least one individual with colorectal cancer and one with endometrial cancer whose tumors showed loss of MSH6 via mismatch repair immunohistochemistry (Talseth-Palmer 2010, Buchanan 2014). Based on currently available evidence, we consider this variant to be pathogenic.

Department of Pathology and Laboratory Medicine, Sinai Health System
Classification: Pathogenic for Lynch syndrome. Review status: no assertion criteria provided. Collection method: clinical testing. Allele origin: unknown. Affected: yes. Observed: 4 variant alleles. Study: The Canadian Open Genetics Repository (COGR). Not counted in ClinVar's aggregate classification.
Comment: The MSH6 p.Gln1048X variant was identified in two individuals or families with Lynch syndrome related cancers (Buchanan 2014, Talseth-Palmer 2010); tumours from affected individuals with the variant were shown to be MSH6 deficient by immunohistochemistry. The variant was also identified in the HGMD and the ClinVar database (classified as a pathogenic variant by GeneDx). The p.Gln1048X variant leads to a premature stop codon at position 1048, which is predicted to lead to a truncated or absent protein and loss of function. Loss of function variants of the MSH6 gene are an established mechanism of disease in Lynch syndrome and this is the type of variant expected to cause the disorder. In summary, based on the above information, this variant meets our laboratoryâ€šÃ„Ã´s criteria to be classified as pathogenic.

Mayo Clinic Laboratories, Mayo Clinic
Classification: Pathogenic. Review status: no assertion criteria provided. Collection method: research. Allele origin: unknown. Observed: 1 variant allele. Not counted in ClinVar's aggregate classification.

Literature cited by the submitters: PubMed 20487569 (cited by Ambry Genetics and Quest Diagnostics Nichols Institute San Juan Capistrano); PubMed 23733757 (cited by Ambry Genetics and Quest Diagnostics Nichols Institute San Juan Capistrano); PubMed 24323032 (cited by Ambry Genetics and Quest Diagnostics Nichols Institute San Juan Capistrano); PubMed 27153395 (cited by Ambry Genetics and Quest Diagnostics Nichols Institute San Juan Capistrano); PubMed 26681312 (cited by Quest Diagnostics Nichols Institute San Juan Capistrano); PubMed 27064304 (cited by Quest Diagnostics Nichols Institute San Juan Capistrano); PubMed 18269114 (cited by Labcorp Genetics (formerly Invitae), Labcorp); PubMed 24362816 (cited by Labcorp Genetics (formerly Invitae), Labcorp).

NM_000179.3(MSH6):c.3142C>T (p.Gln1048Ter)

Gene: MSH6 (mutS homolog 6; plus strand). Cytogenetic location: 2p16.3.
Variant type: single nucleotide variant.
Coding change: c.3142C>T on transcript NM_000179.3 (MANE Select); coding-DNA position 3142, C replaced by T.
Protein change: p.Gln1048Ter; replaces glutamine 1048 with a stop codon.
Molecular consequence: nonsense.
Genome position (GRCh38, 1-based): chr2:47,801,125, C>T. VCF-style: chr2-47801125-C-T. GRCh37 (hg19) VCF-style: chr2-48028264-C-T.
Other names: p.Q1048*:CAG>TAG; c.2752C>T, p.Gln918Ter (NM_001281492.2); c.2236C>T, p.Gln746Ter (NM_001281493.2, NM_001281494.2); short protein forms Q1048*, Q746*, Q918*.
Identifiers: ClinVar variation 127580 (VCV000127580.26), dbSNP rs200492211, ClinGen allele CA011628.